The following is an entry in ClinVar:

ClinVar aggregate classification (germline): Uncertain significance (1 of 4 stars; one submission).

Allele frequency attached by ClinVar (database versions not stated): ExAC 0.00001.
gnomAD v4.1: 3 of 1,614,220 alleles (0.00019%); highest among the groups gnomAD compares: South Asian, 0.0022%; no homozygotes.

Submission:

GeneDx
Classification: Uncertain significance. Last evaluated: 2022-03-14. Review status: criteria provided, single submitter. Criteria: GeneDx Variant Classification Process June 2021. Collection method: clinical testing. Allele origin: germline. Affected: yes.
Comment: Not observed at significant frequency in large population cohorts (gnomAD); In silico analysis supports that this missense variant does not alter protein structure/function; Has not been previously published as pathogenic or benign to our knowledge

NM_006420.3(ARFGEF2):c.3790A>G (p.Ile1264Val)

Gene: ARFGEF2 (ARF guanine nucleotide exchange factor 2; plus strand). Cytogenetic location: 20q13.13.
Variant type: single nucleotide variant.
Coding change: c.3790A>G on transcript NM_006420.3 (MANE Select); coding-DNA position 3790, A replaced by G.
Protein change: p.Ile1264Val; replaces isoleucine 1264 with valine.
Molecular consequence: missense variant.
Genome position (GRCh38, 1-based): chr20:49,011,956, A>G. VCF-style: chr20-49011956-A-G. GRCh37 (hg19) VCF-style: chr20-47628493-A-G.
Other names: c.3787A>G, p.Ile1263Val (NM_001410846.1); short protein forms I1263V, I1264V.
Identifiers: ClinVar variation 1706107 (VCV001706107.2), dbSNP rs756554552, ClinGen allele CA9899039.